The following is an entry in ClinVar:

ClinVar aggregate classification (germline): Uncertain significance (1 of 4 stars; one submission).

Conditions:
Fanconi anemia (FA). Also called: Fanconi's anemia. Identifiers: Orphanet 84, MedGen C0015625, MeSH D005199, MONDO:0019391.

gnomAD v4.1: 2 of 1,602,192 alleles (0.00012%); highest among the groups gnomAD compares: Non-Finnish European, 0.00017%; no homozygotes.

Submission:

Labcorp Genetics (formerly Invitae), Labcorp
Classification: Uncertain significance for Fanconi anemia. Last evaluated: 2024-01-13. Review status: criteria provided, single submitter. Criteria: Invitae Variant Classification Sherloc (09022015). Collection method: clinical testing. Allele origin: germline.
Comment: This sequence change replaces leucine, which is neutral and non-polar, with arginine, which is basic and polar, at codon 1256 of the FANCM protein (p.Leu1256Arg). This variant is not present in population databases (gnomAD no frequency). This variant has not been reported in the literature in individuals affected with FANCM-related conditions. An algorithm developed to predict the effect of missense changes on protein structure and function (PolyPhen-2) suggests that this variant is likely to be tolerated. In summary, the available evidence is currently insufficient to determine the role of this variant in disease. Therefore, it has been classified as a Variant of Uncertain Significance.

NM_020937.4(FANCM):c.3767T>G (p.Leu1256Arg)

Gene: FANCM (FA complementation group M; plus strand). Cytogenetic location: 14q21.2.
Variant type: single nucleotide variant.
Coding change: c.3767T>G on transcript NM_020937.4 (MANE Select); coding-DNA position 3767, T replaced by G.
Protein change: p.Leu1256Arg; replaces leucine 1256 with arginine.
Molecular consequence: missense variant.
Genome position (GRCh38, 1-based): chr14:45,176,521, T>G. VCF-style: chr14-45176521-T-G. GRCh37 (hg19) VCF-style: chr14-45645724-T-G.
Other names: c.3689T>G, p.Leu1230Arg (NM_001308133.2); short protein forms L1230R, L1256R.
Identifiers: ClinVar variation 2710631 (VCV002710631.3), dbSNP rs773919982, ClinGen allele CA389602941.